The following is an entry in ClinVar:

ClinVar aggregate classification (germline): Uncertain significance. Review status: criteria provided, multiple submitters, no conflicts (2 of 4 stars). 3 submissions from 3 submitters: Uncertain significance (2). 1 of the submissions does not count toward it. Last evaluated 2023-10-12.

Conditions:
Zellweger spectrum disorders (ZS). Also called: Zellweger syndrome; Zellweger Spectrum Disorder (ZSD); Zellweger Spectrum Disorder; Zellweger Spectrum. Identifiers: Orphanet 912, MedGen C0043459, MONDO:0019609.
PEX10-related disorder. Also called: PEX10-related condition.
Peroxisome biogenesis disorder, complementation group 7 (CG7). Also called: Peroxisome biogenesis disorder, complementation group B. Identifiers: MedGen C1864399.

Allele frequency attached by ClinVar (database versions not stated): gnomAD 0.00001.
gnomAD v4.1: 12 of 1,611,328 alleles (0.00074%); highest among the groups gnomAD compares: Non-Finnish European, 0.00085%; no homozygotes.

Submissions (3):

PreventionGenetics, part of Exact Sciences
Classification: Uncertain significance for PEX10-related condition. Last evaluated: 2023-10-12. Review status: criteria provided, single submitter. Criteria: ACMG Guidelines, 2015. Collection method: clinical testing. Allele origin: germline.
Comment: The PEX10 c.390C>G variant is predicted to result in the amino acid substitution p.Ser130Arg. To our knowledge, this variant has not been reported in the literature. This variant is reported in 0.0065% of alleles in individuals of European (Non-Finnish) descent in gnomAD. At this time, the clinical significance of this variant is uncertain due to the absence of conclusive functional and genetic evidence.

Labcorp Genetics (formerly Invitae), Labcorp
Classification: Uncertain significance for Peroxisome biogenesis disorder, complementation group 7. Last evaluated: 2022-05-27. Review status: criteria provided, single submitter. Criteria: Invitae Variant Classification Sherloc (09022015). Collection method: clinical testing. Allele origin: germline.
Comment: This sequence change replaces serine, which is neutral and polar, with arginine, which is basic and polar, at codon 130 of the PEX10 protein (p.Ser130Arg). This variant is present in population databases (no rsID available, gnomAD 0.007%). This variant has not been reported in the literature in individuals affected with PEX10-related conditions. ClinVar contains an entry for this variant (Variation ID: 972109). Algorithms developed to predict the effect of missense changes on protein structure and function (SIFT, PolyPhen-2, Align-GVGD) all suggest that this variant is likely to be tolerated. In summary, the available evidence is currently insufficient to determine the role of this variant in disease. Therefore, it has been classified as a Variant of Uncertain Significance.

Natera, Inc.
Classification: Uncertain significance for Zellweger syndrome. Last evaluated: 2021-06-03. Review status: no assertion criteria provided. Collection method: clinical testing. Allele origin: germline. Not counted in ClinVar's aggregate classification.

NM_002617.4(PEX10):c.390C>G (p.Ser130Arg)

Gene: PEX10 (peroxisomal biogenesis factor 10; minus strand). Cytogenetic location: 1p36.32.
Variant type: single nucleotide variant.
Coding change: c.390C>G on transcript NM_002617.4 (MANE Select); coding-DNA position 390, C replaced by G.
Protein change: p.Ser130Arg; replaces serine 130 with arginine.
Molecular consequence: missense variant. On other transcripts: 5 prime UTR variant (2), non-coding transcript variant (1).
Genome position (GRCh38, 1-based): chr1:2,408,662, G>C on the plus strand (C>G on the coding strand, the complement: PEX10 is on the minus strand). VCF-style: chr1-2408662-G-C. GRCh37 (hg19) VCF-style: chr1-2340101-G-C.
Other names: c.390C>G, p.Ser130Arg (NM_001374425.1, NM_153818.2); c.-43C>G (NM_001374426.1, NM_001374427.1); short protein forms S130R.
Identifiers: ClinVar variation 972109 (VCV000972109.5), dbSNP rs1425257705, ClinGen allele CA337988168.